The following is an entry in ClinVar:

ClinVar aggregate classification (germline): Uncertain significance (1 of 4 stars; one submission).

Conditions:
Familial cancer of breast. Also called: hereditary breast carcinoma; BREAST CANCER, FAMILIAL; Hereditary breast cancer. Identifiers: Orphanet 227535, MedGen C0346153, MONDO:0016419, OMIM 114480. Disease mechanism: loss of function.

Submission:

Labcorp Genetics (formerly Invitae), Labcorp
Classification: Uncertain significance for Familial cancer of breast. Last evaluated: 2024-03-12. Review status: criteria provided, single submitter. Criteria: Invitae Variant Classification Sherloc (09022015). Collection method: clinical testing. Allele origin: germline.
Comment: This sequence change falls in intron 4 of the PALB2 gene. It does not directly change the encoded amino acid sequence of the PALB2 protein. It affects a nucleotide within the consensus splice site. This variant is not present in population databases (gnomAD no frequency). This variant has not been reported in the literature in individuals affected with PALB2-related conditions. Variants that disrupt the consensus splice site are a relatively common cause of aberrant splicing (PMID: 17576681, 9536098). Algorithms developed to predict the effect of sequence changes on RNA splicing suggest that this variant is not likely to affect RNA splicing. In summary, the available evidence is currently insufficient to determine the role of this variant in disease. Therefore, it has been classified as a Variant of Uncertain Significance.

Literature cited by the submitters: PubMed 17576681; PubMed 9536098.

NM_024675.4(PALB2):c.1684+5del

Gene: PALB2 (partner and localizer of BRCA2; minus strand). Cytogenetic location: 16p12.2.
Variant type: Deletion.
Coding change: c.1684+5del on transcript NM_024675.4 (MANE Select); 5 bases into the intron after coding-DNA position 1684, one base deleted (A; older notation c.1684+5delA).
Molecular consequence: intron variant.
Genome position (GRCh38, 1-based): chr16:23,634,857, T deleted on the plus strand (A on the coding strand, the reverse complement: PALB2 is on the minus strand); the first of 3 consecutive T bases (chr16:23,634,857-23,634,859); deleting any one gives the same sequence. VCF-style (leftmost placement, unchanged base first): chr16-23634856-AT-A. GRCh37 (hg19) VCF-style: chr16-23646177-AT-A.
Other names: c.799+5del (NM_001407308.1, NM_001407306.1, NM_001407307.1 and 5 more transcripts); c.49-5582del (NM_001407314.1); c.-104-4388del (NM_001407313.1, NM_001407312.1); c.1624+5del (NM_001407296.1); c.1684+5del (NM_001407297.1, NM_001407302.1, NM_001407298.1 and 3 more transcripts).
Identifiers: ClinVar variation 3645423 (VCV003645423.2).